The following is an entry in ClinVar:

NM_003107.3(SOX4):c.1355C>T (p.Pro452Leu)

Gene: SOX4 (SRY-box transcription factor 4; plus strand). Cytogenetic location: 6p22.3.
Variant type: single nucleotide variant.
Coding change: c.1355C>T on transcript NM_003107.3 (MANE Select); coding-DNA position 1355, C replaced by T.
Protein change: p.Pro452Leu; replaces proline 452 with leucine.
Molecular consequence: missense variant.
Genome position (GRCh38, 1-based): chr6:21,595,889, C>T. VCF-style: chr6-21595889-C-T. GRCh37 (hg19) VCF-style: chr6-21596120-C-T.
Other names: short protein forms P452L.
Identifiers: ClinVar variation 4686310 (VCV004686310.1).
Genomic context (GRCh38, chr6:21,595,889, plus strand): 5'-TGGATTTTAACTTCGAGCCCGGCTCCGGCTCGCACTTCGAGTTCCCGGACTACTGCACGC[C>T]CGAGGTGAGCGAGATGATCTCGGGAGACTGGCTCGAGTCCAGCATCTCCAACCTGGTTTT-3'
Protein context (NP_003098.1, residues 442-462): SHFEFPDYCT[Pro452Leu]EVSEMISGDW

ClinVar aggregate classification (germline): Uncertain significance (1 of 4 stars; one submission).

Submission:

GeneDx
Classification: Uncertain significance. Last evaluated: 2025-07-15. Review status: criteria provided, single submitter. Criteria: GeneDx Variant Classification Process June 2021. Collection method: clinical testing. Allele origin: germline. Affected: yes.
Comment: Not observed at significant frequency in large population cohorts (gnomAD); In silico analysis supports that this missense variant has a deleterious effect on protein structure/function; Has not been previously published as pathogenic or benign to our knowledge